The following is an entry in ClinVar:

NM_003998.4(NFKB1):c.869A>G (p.Glu290Gly)

Gene: NFKB1 (nuclear factor kappa B subunit 1; plus strand). Cytogenetic location: 4q24.
Variant type: single nucleotide variant.
Coding change: c.869A>G on transcript NM_003998.4 (MANE Select); coding-DNA position 869, A replaced by G.
Protein change: p.Glu290Gly; replaces glutamic acid 290 with glycine.
Molecular consequence: missense variant.
Genome position (GRCh38, 1-based): chr4:102,582,899, A>G. VCF-style: chr4-102582899-A-G. GRCh37 (hg19) VCF-style: chr4-103504056-A-G.
Other names: c.866A>G, p.Glu289Gly (NM_001165412.2, NM_001319226.2, NM_001382627.1); c.869A>G, p.Glu290Gly (NM_001382625.1, NM_001382626.1); c.827A>G, p.Glu276Gly (NM_001382628.1); short protein forms E276G, E289G, E290G.
Identifiers: ClinVar variation 2633070 (VCV002633070.1), dbSNP rs1211213470, ClinGen allele CA357960545.

ClinVar aggregate classification (germline): Uncertain significance (1 of 4 stars; one submission).

Conditions:
NFKB1-related disorder. Also called: NFKB1-related condition.

Allele frequency attached by ClinVar (database versions not stated): gnomAD exomes below 0.00001; TOPMed below 0.00001; gnomAD 0.00001.
gnomAD v4.1: 3 of 1,612,338 alleles (0.00019%); highest among the groups gnomAD compares: Admixed American, 0.0033%; no homozygotes.

Submission:

PreventionGenetics, part of Exact Sciences
Classification: Uncertain significance for NFKB1-related condition. Last evaluated: 2023-06-29. Review status: criteria provided, single submitter. Criteria: ACMG Guidelines, 2015. Collection method: clinical testing. Allele origin: germline.
Comment: The NFKB1 c.869A>G variant is predicted to result in the amino acid substitution p.Glu290Gly. To our knowledge, this variant has not been reported in the literature. This variant is reported in 0.0029% of alleles in individuals of Latino descent in gnomAD. At this time, the clinical significance of this variant is uncertain due to the absence of conclusive functional and genetic evidence.